The following is an entry in ClinVar:

ClinVar aggregate classification (germline): Uncertain significance (1 of 4 stars; one submission).

Conditions:
Multiple endocrine neoplasia, type 1 (MEN1). Also called: Endocrine adenomatosis multiple; MEN 1; MEN I; WERMER SYNDROME; MEA I. Identifiers: Orphanet 652, MedGen C0025267, MeSH D018761, MONDO:0007540, OMIM 131100.

Submission:

Labcorp Genetics (formerly Invitae), Labcorp
Classification: Uncertain significance for Multiple endocrine neoplasia, type 1. Last evaluated: 2020-06-09. Review status: criteria provided, single submitter. Criteria: Invitae Variant Classification Sherloc (09022015). Collection method: clinical testing. Allele origin: germline.
Comment: This sequence change replaces proline with arginine at codon 515 of the MEN1 protein (p.Pro515Arg). The proline residue is moderately conserved and there is a moderate physicochemical difference between proline and arginine. In summary, the available evidence is currently insufficient to determine the role of this variant in disease. Therefore, it has been classified as a Variant of Uncertain Significance. Algorithms developed to predict the effect of missense changes on protein structure and function (SIFT, PolyPhen-2, Align-GVGD) all suggest that this variant is likely to be tolerated, but these predictions have not been confirmed by published functional studies and their clinical significance is uncertain. This variant has not been reported in the literature in individuals with MEN1-related conditions. This variant is not present in population databases (ExAC no frequency).

NM_001370259.2(MEN1):c.1544C>G (p.Pro515Arg)

Gene: MEN1 (menin 1; minus strand). Cytogenetic location: 11q13.1.
Variant type: single nucleotide variant.
Coding change: c.1544C>G on transcript NM_001370259.2 (MANE Select); coding-DNA position 1544, C replaced by G.
Protein change: p.Pro515Arg; replaces proline 515 with arginine.
Molecular consequence: missense variant.
Genome position (GRCh38, 1-based): chr11:64,804,623, G>C on the plus strand (C>G on the coding strand, the complement: MEN1 is on the minus strand). VCF-style: chr11-64804623-G-C. GRCh37 (hg19) VCF-style: chr11-64572095-G-C.
Other names: c.1559C>G, p.Pro520Arg (NM_000244.4, NM_130800.3, NM_130801.3 and 3 more transcripts); c.1670C>G, p.Pro557Arg (NM_001370251.2); c.1544C>G, p.Pro515Arg (NM_001370260.2, NM_001370261.2, NM_130799.3); c.1439C>G, p.Pro480Arg (NM_001370262.2, NM_001370263.2); short protein forms P480R, P515R, P520R, P557R.
Identifiers: ClinVar variation 1008860 (VCV001008860.8), dbSNP rs1941528728, ClinGen allele CA381178568.